The following is an entry in ClinVar:

ClinVar aggregate classification (germline): Pathogenic/Likely pathogenic. Review status: criteria provided, multiple submitters, no conflicts (2 of 4 stars). 2 submissions from 2 submitters: Pathogenic (1); Likely pathogenic (1). Last evaluated 2026-02-21.

Allele frequency attached by ClinVar (database versions not stated): TOPMed 0.00001; gnomAD exomes 0.00001; gnomAD 0.00001; ExAC 0.00002.
gnomAD v4.1: 10 of 1,612,320 alleles (0.00062%); highest among the groups gnomAD compares: Admixed American, 0.0017%; no homozygotes.

Submissions (3):

GeneDx
Classification: Pathogenic. Last evaluated: 2026-02-21. Review status: criteria provided, single submitter. Criteria: GeneDx Variant Classification Process June 2021. Collection method: clinical testing. Allele origin: germline.
Comment: Canonical splice site variant predicted to result in a null allele in a gene for which loss of function is a known mechanism of disease; Not observed at significant frequency in large population cohorts (gnomAD); Has not been previously reported as a pathogenic or benign germline variant to our knowledge; This variant is associated with the following publications: (PMID: 31275557)

Labcorp Genetics (formerly Invitae), Labcorp
Classification: Likely pathogenic. Last evaluated: 2024-01-28. Review status: criteria provided, single submitter. Criteria: Invitae Variant Classification Sherloc (09022015). Collection method: clinical testing. Allele origin: germline.
Comment: This sequence change affects a donor splice site in intron 2 of the COX15 gene. It is expected to disrupt RNA splicing. Variants that disrupt the donor or acceptor splice site typically lead to a loss of protein function (PMID: 16199547), and loss-of-function variants in COX15 are known to be pathogenic (PMID: 15863660, 21412973). This variant is present in population databases (rs777659902, gnomAD 0.007%). This variant has not been reported in the literature in individuals affected with COX15-related conditions. ClinVar contains an entry for this variant (Variation ID: 2428863). Algorithms developed to predict the effect of sequence changes on RNA splicing suggest that this variant may disrupt the consensus splice site. In summary, the currently available evidence indicates that the variant is pathogenic, but additional data are needed to prove that conclusively. Therefore, this variant has been classified as Likely Pathogenic.

Dr. Peter K. Rogan Lab, Western University
No classification provided (evidence only). Condition: Thyroid cancer, nonmedullary, 1. Review status: no classification provided. Collection method: in vitro. Allele origin: not applicable. Functional consequence: retained intron. Not counted in ClinVar's aggregate classification.

Literature cited by the submitters: PubMed 16199547 (cited by Labcorp Genetics (formerly Invitae), Labcorp); PubMed 15863660 (cited by Labcorp Genetics (formerly Invitae), Labcorp); PubMed 21412973 (cited by Labcorp Genetics (formerly Invitae), Labcorp).

NM_078470.6(COX15):c.272+2T>G

Gene: COX15 (cytochrome c oxidase assembly factor COX15; minus strand). Cytogenetic location: 10q24.2.
Variant type: single nucleotide variant.
Coding change: c.272+2T>G on transcript NM_078470.6 (MANE Select); the canonical splice donor site of the intron after coding-DNA position 272, T replaced by G.
Molecular consequence: splice donor variant.
Genome position (GRCh38, 1-based): chr10:99,729,551, A>C on the plus strand (T>G on the coding strand, the complement: COX15 is on the minus strand). VCF-style: chr10-99729551-A-C. GRCh37 (hg19) VCF-style: chr10-101489308-A-C.
Other names: c.272+2T>G (NM_001320974.2, NM_001372026.1, NM_001372028.1 and 5 more transcripts); c.-183+2T>G (NM_001320976.2).
Identifiers: ClinVar variation 2428863 (VCV002428863.9), dbSNP rs777659902, ClinGen allele CA5642322.